The following is an entry in ClinVar:

ClinVar aggregate classification (germline): Uncertain significance (1 of 4 stars; one submission).

Conditions:
Inborn genetic diseases. Identifiers: MedGen C0950123, MeSH D030342.

Submission:

Ambry Genetics
Classification: Uncertain significance for Inborn genetic diseases. Last evaluated: 2022-03-16. Review status: criteria provided, single submitter. Criteria: Ambry Variant Classification Scheme 2023. Collection method: clinical testing. Allele origin: germline.
Comment: The p.E72A variant (also known as c.215A>C), located in coding exon 2 of the MDH2 gene, results from an A to C substitution at nucleotide position 215. The glutamic acid at codon 72 is replaced by alanine, an amino acid with dissimilar properties. This amino acid position is conserved. In addition, this alteration is predicted to be deleterious by in silico analysis. Since supporting evidence is limited at this time, the clinical significance of this alteration remains unclear.

NM_005918.4(MDH2):c.215A>C (p.Glu72Ala)

Gene: MDH2 (malate dehydrogenase 2; plus strand). Cytogenetic location: 7q11.23.
Variant type: single nucleotide variant.
Coding change: c.215A>C on transcript NM_005918.4 (MANE Select); coding-DNA position 215, A replaced by C.
Protein change: p.Glu72Ala; replaces glutamic acid 72 with alanine.
Molecular consequence: missense variant. On other transcripts: intron variant (1).
Genome position (GRCh38, 1-based): chr7:76,054,978, A>C. VCF-style: chr7-76054978-A-C. GRCh37 (hg19) VCF-style: chr7-75684296-A-C.
Other names: c.215A>C, p.Glu72Ala (NM_001282403.2); c.-86-2432A>C (NM_001282404.2); short protein forms E72A.
Identifiers: ClinVar variation 1786857 (VCV001786857.2), dbSNP rs1563546976, ClinGen allele CA367762673.